The following is an entry in ClinVar:

ClinVar aggregate classification (germline): Uncertain significance. Review status: criteria provided, multiple submitters, no conflicts (2 of 4 stars). 2 submissions from 2 submitters: Uncertain significance (2). Last evaluated 2024-11-20.

Conditions:
Inborn genetic diseases. Identifiers: MedGen C0950123, MeSH D030342.

Allele frequency attached by ClinVar (database versions not stated): ExAC 0.00001; gnomAD exomes 0.00001 and 0.00002.
gnomAD v4.1: 24 of 1,612,132 alleles (0.0015%); highest among the groups gnomAD compares: Admixed American, 0.0033%; no homozygotes.

Submissions (2):

Ambry Genetics
Classification: Uncertain significance for Inborn genetic diseases. Last evaluated: 2024-11-20. Review status: criteria provided, single submitter. Criteria: Ambry Variant Classification Scheme 2023. Collection method: clinical testing. Allele origin: germline.

Labcorp Genetics (formerly Invitae), Labcorp
Classification: Uncertain significance. Last evaluated: 2021-09-22. Review status: criteria provided, single submitter. Criteria: Invitae Variant Classification Sherloc (09022015). Collection method: clinical testing. Allele origin: germline.
Comment: This variant has not been reported in the literature in individuals affected with ASPM-related conditions. Algorithms developed to predict the effect of missense changes on protein structure and function are either unavailable or do not agree on the potential impact of this missense change (SIFT: "Deleterious"; PolyPhen-2: "Probably Damaging"; Align-GVGD: "Class C0"). In summary, the available evidence is currently insufficient to determine the role of this variant in disease. Therefore, it has been classified as a Variant of Uncertain Significance. This sequence change replaces arginine with lysine at codon 2871 of the ASPM protein (p.Arg2871Lys). The arginine residue is moderately conserved and there is a small physicochemical difference between arginine and lysine. This variant is present in population databases (rs749128025, ExAC 0.002%).

NM_018136.5(ASPM):c.8612G>A (p.Arg2871Lys)

Gene: ASPM (assembly factor for spindle microtubules; minus strand). Cytogenetic location: 1q31.3.
Variant type: single nucleotide variant.
Coding change: c.8612G>A on transcript NM_018136.5 (MANE Select); coding-DNA position 8612, G replaced by A.
Protein change: p.Arg2871Lys; replaces arginine 2871 with lysine.
Molecular consequence: missense variant. On other transcripts: intron variant (1).
Genome position (GRCh38, 1-based): chr1:197,100,639, C>T on the plus strand (G>A on the coding strand, the complement: ASPM is on the minus strand). VCF-style: chr1-197100639-C-T. GRCh37 (hg19) VCF-style: chr1-197069769-C-T.
Other names: c.4066-4475G>A (NM_001206846.2); c.8612G>A (NM_018136.4); short protein forms R2871K.
Identifiers: ClinVar variation 1385281 (VCV001385281.7), dbSNP rs749128025, ClinGen allele CA1309190.